The following is an entry in ClinVar:

ClinVar aggregate classification (germline): Conflicting classifications of pathogenicity. Review status: criteria provided, conflicting classifications (1 of 4 stars). 7 submissions from 7 submitters: Uncertain significance (4); Likely benign (2). 1 of the submissions does not count toward it. Last evaluated 2026-01-28.

Conditions:
LRP2-related disorder. Also called: LRP2-related condition.
Inborn genetic diseases. Identifiers: MedGen C0950123, MeSH D030342.
Donnai-Barrow syndrome. Also called: DBS/FOAR SYNDROME; FACIOOCULOACOUSTICORENAL SYNDROME. Identifiers: Orphanet 2143, MedGen C1857277, MONDO:0009104, OMIM 222448.

Allele frequency attached by ClinVar (database versions not stated): gnomAD 0.00009; TOPMed 0.00011.
gnomAD v4.1: 231 of 1,614,220 alleles (0.014%); highest among the groups gnomAD compares: Middle Eastern, 0.18%; no homozygotes.

Submissions (7):

Labcorp Genetics (formerly Invitae), Labcorp
Classification: Likely benign. Last evaluated: 2026-01-28. Review status: criteria provided, single submitter. Criteria: Invitae Variant Classification Sherloc (09022015). Collection method: clinical testing. Allele origin: germline.

Blueprint Genetics
Classification: Uncertain significance. Last evaluated: 2024-10-21. Review status: criteria provided, single submitter. Criteria: ACMG Guidelines, 2015. Collection method: clinical testing. Allele origin: germline.

Ambry Genetics
Classification: Uncertain significance for Inborn genetic diseases. Last evaluated: 2022-09-06. Review status: criteria provided, single submitter. Criteria: Ambry Variant Classification Scheme 2023. Collection method: clinical testing. Allele origin: germline.

Daryl Scott Lab, Baylor College of Medicine
Classification: Uncertain significance for Donnai-Barrow syndrome. Last evaluated: 2022-02-01. Review status: criteria provided, single submitter. Criteria: ACMG Guidelines, 2015. Collection method: clinical testing. Allele origin: biparental. Observed: 1 variant allele, 1 homozygote.

Genome-Nilou Lab
Classification: Likely benign for Donnai-Barrow syndrome. Last evaluated: 2021-07-15. Review status: criteria provided, single submitter. Criteria: ACMG Guidelines, 2015. Collection method: clinical testing. Allele origin: germline. Affected: no.

Illumina Laboratory Services, Illumina
Classification: Uncertain significance for Donnai-Barrow syndrome. Last evaluated: 2018-01-13. Review status: criteria provided, single submitter. Criteria: ICSL Variant Classification Criteria 13 December 2019. Collection method: clinical testing. Allele origin: germline.

PreventionGenetics, part of Exact Sciences
Classification: Uncertain significance for LRP2-related condition. Last evaluated: 2024-07-27. Review status: no assertion criteria provided. Collection method: clinical testing. Allele origin: germline. Not counted in ClinVar's aggregate classification.
Comment: The LRP2 c.10906C>T variant is predicted to result in the amino acid substitution p.Arg3636Trp. To our knowledge, this variant has not been reported in the literature. This variant is reported in 0.025% of alleles in individuals of Latino descent in gnomAD. At this time, the clinical significance of this variant is uncertain due to the absence of conclusive functional and genetic evidence.

Literature cited by the submitters: PubMed 36474027 (cited by Daryl Scott Lab, Baylor College of Medicine).

NM_004525.3(LRP2):c.10906C>T (p.Arg3636Trp)

Gene: LRP2 (LDL receptor related protein 2; minus strand). Cytogenetic location: 2q31.1.
Variant type: single nucleotide variant.
Coding change: c.10906C>T on transcript NM_004525.3 (MANE Select); coding-DNA position 10906, C replaced by T.
Protein change: p.Arg3636Trp; replaces arginine 3636 with tryptophan.
Molecular consequence: missense variant.
Genome position (GRCh38, 1-based): chr2:169,174,027, G>A on the plus strand (C>T on the coding strand, the complement: LRP2 is on the minus strand). VCF-style: chr2-169174027-G-A. GRCh37 (hg19) VCF-style: chr2-170030537-G-A.
Other names: short protein forms R3636W.
Identifiers: ClinVar variation 332098 (VCV000332098.20), dbSNP rs747833963, ClinGen allele CA1953222.
Genomic context (GRCh38, chr2:169,174,027, plus strand): 5'-CATCACACTTCCAGGCCTGCGGGATGCAGCGGCCATTAGCACACCGAAACTGGCCCGGCC[G>A]GCAGGTCCTGCTGGCACAGTGGGAACTGTCTTCATCTGAGTTATCCTCACAGTCGTTAAA-3'
Protein context (NP_004516.2, residues 3626-3646): DSSHCASRTC[Arg3636Trp]PGQFRCANGR